The following is an entry in ClinVar:

NM_173628.4(DNAH17):c.1603C>A (p.Pro535Thr)

Gene: DNAH17 (dynein axonemal heavy chain 17; minus strand). Cytogenetic location: 17q25.3.
Variant type: single nucleotide variant.
Coding change: c.1603C>A on transcript NM_173628.4 (MANE Select); coding-DNA position 1603, C replaced by A.
Protein change: p.Pro535Thr; replaces proline 535 with threonine.
Molecular consequence: missense variant.
Genome position (GRCh38, 1-based): chr17:78,561,947, G>T on the plus strand (C>A on the coding strand, the complement: DNAH17 is on the minus strand). VCF-style: chr17-78561947-G-T. GRCh37 (hg19) VCF-style: chr17-76558029-G-T.
Other names: short protein forms P535T.
Identifiers: ClinVar variation 2236866 (VCV002236866.12), dbSNP rs113616418, ClinGen allele CA8805079.
Genomic context (GRCh38, chr17:78,561,947, plus strand): 5'-CAGCGTCAAACAGCTCCAGCATGACTGAATACCTGGGCGCCACCTCGGCAAGAATCAGGG[G>T]CCGCTCCATGAGGCCCCCACACATGTACAGGAGCTGAGGACAAAGGAGAAGGGGGCCTCT-3'
Protein context (NP_775899.3, residues 525-545): LYMCGGLMER[Pro535Thr]LILAEVAPRY

ClinVar aggregate classification (germline): Conflicting classifications of pathogenicity. Review status: criteria provided, conflicting classifications (1 of 4 stars). 3 submissions from 3 submitters: Uncertain significance (1); Likely benign (1). 1 of the submissions does not count toward it. Last evaluated 2025-07-01.

Conditions:
DNAH17-related disorder. Also called: DNAH17-related condition.
Inborn genetic diseases. Identifiers: MedGen C0950123, MeSH D030342.

Allele frequency attached by ClinVar (database versions not stated): ExAC 0.00069; 1000 Genomes Project 0.00120; 1000 Genomes Project 30x 0.00141; TOPMed 0.00254; ESP Exome Variant Server 0.00308.
gnomAD v4.1: 618 of 1,611,924 alleles (0.038%); highest among the groups gnomAD compares: African/African-American, 0.73%; 4 homozygotes.

Submissions (3):

CeGaT Center for Human Genetics Tuebingen
Classification: Likely benign. Last evaluated: 2025-07-01. Review status: criteria provided, single submitter. Criteria: CeGaT Center For Human Genetics Tuebingen Variant Classification Criteria Version 2. Collection method: clinical testing. Allele origin: germline. Affected: yes. Observed: 1 variant allele.
Comment: DNAH17: BS2

Ambry Genetics
Classification: Uncertain significance for Inborn genetic diseases. Last evaluated: 2024-01-16. Review status: criteria provided, single submitter. Criteria: Ambry Variant Classification Scheme 2023. Collection method: clinical testing. Allele origin: germline.

PreventionGenetics, part of Exact Sciences
Classification: Benign for DNAH17-related condition. Last evaluated: 2019-05-24. Review status: no assertion criteria provided. Collection method: clinical testing. Allele origin: germline. Not counted in ClinVar's aggregate classification.
Comment: This variant is classified as benign based on ACMG/AMP sequence variant interpretation guidelines (Richards et al. 2015 PMID: 25741868, with internal and published modifications).